The following is an entry in ClinVar:

ClinVar aggregate classification (germline): Uncertain significance (1 of 4 stars; one submission).

gnomAD v4.1: 16 of 1,584,610 alleles (0.001%); highest among the groups gnomAD compares: Admixed American, 0.021%; no homozygotes.

Submission:

Labcorp Genetics (formerly Invitae), Labcorp
Classification: Uncertain significance. Last evaluated: 2023-04-17. Review status: criteria provided, single submitter. Criteria: Invitae Variant Classification Sherloc (09022015). Collection method: clinical testing. Allele origin: germline.
Comment: In summary, the available evidence is currently insufficient to determine the role of this variant in disease. Therefore, it has been classified as a Variant of Uncertain Significance. An algorithm developed to predict the effect of missense changes on protein structure and function (PolyPhen-2) suggests that this variant is likely to be tolerated. This variant has not been reported in the literature in individuals affected with KISS1-related conditions. This variant is present in population databases (rs201073751, gnomAD 0.04%). This sequence change replaces histidine, which is basic and polar, with tyrosine, which is neutral and polar, at codon 90 of the KISS1 protein (p.His90Tyr).

NM_002256.4(KISS1):c.268C>T (p.His90Tyr)

Gene: KISS1 (KiSS-1 metastasis suppressor; minus strand). Cytogenetic location: 1q32.1.
Variant type: single nucleotide variant.
Coding change: c.268C>T on transcript NM_002256.4 (MANE Select); coding-DNA position 268, C replaced by T.
Protein change: p.His90Tyr; replaces histidine 90 with tyrosine.
Molecular consequence: missense variant.
Genome position (GRCh38, 1-based): chr1:204,190,633, G>A on the plus strand (C>T on the coding strand, the complement: KISS1 is on the minus strand). VCF-style: chr1-204190633-G-A. GRCh37 (hg19) VCF-style: chr1-204159761-G-A.
Other names: short protein forms H90Y.
Identifiers: ClinVar variation 2895951 (VCV002895951.3), dbSNP rs201073751, ClinGen allele CA1345142.